The following is an entry in ClinVar:

NM_000533.5(PLP1):c.548C>A (p.Thr183Asn)

Genes: RAB9B (RAB9B, member RAS oncogene family; minus strand), PLP1 (proteolipid protein 1; plus strand). Cytogenetic location: Xq22.2.
Variant type: single nucleotide variant.
Coding change: c.548C>A on transcript NM_000533.5 (MANE Select); coding-DNA position 548, C replaced by A.
Protein change: p.Thr183Asn; replaces threonine 183 with asparagine.
Molecular consequence: missense variant.
Genome position (GRCh38, 1-based): chrX:103,787,892, C>A. VCF-style: chrX-103787892-C-A. GRCh37 (hg19) VCF-style: chrX-103042821-C-A.
Other names: c.548C>A, p.Thr183Asn (NM_001128834.3); c.383C>A, p.Thr128Asn (NM_001305004.1); c.443C>A, p.Thr148Asn (NM_199478.3); c.548C>A (NM_000533.4); short protein forms T128N, T183N, T148N.
Identifiers: ClinVar variation 1410674 (VCV001410674.6), dbSNP rs2147766068, ClinGen allele CA414103876.

ClinVar aggregate classification (germline): Conflicting classifications of pathogenicity. Review status: criteria provided, conflicting classifications (1 of 4 stars). 2 submissions from 2 submitters: Likely pathogenic (1); Uncertain significance (1). Last evaluated 2025-05-28.

Conditions:
Hereditary spastic paraplegia 2 (SPG2). Also called: Spastic Paraplegia 2 (SPG2); SPASTIC PARAPLEGIA 2, X-LINKED. Identifiers: Orphanet 99015, MedGen C0751604, MONDO:0010733, OMIM 312920.

Submissions (2):

Labcorp Genetics (formerly Invitae), Labcorp
Classification: Uncertain significance for Hereditary spastic paraplegia 2. Last evaluated: 2025-05-28. Review status: criteria provided, single submitter. Criteria: Invitae Variant Classification Sherloc (09022015). Collection method: clinical testing. Allele origin: germline.
Comment: This sequence change replaces threonine, which is neutral and polar, with asparagine, which is neutral and polar, at codon 183 of the PLP1 protein (p.Thr183Asn). This variant is not present in population databases (gnomAD no frequency). This missense change has been observed in individuals with clinical features of Pelizaeus-Merzbacher disease (PMID: 10417279, 26786043; internal data). It has also been observed to segregate with disease in related individuals. ClinVar contains an entry for this variant (Variation ID: 1410674). Invitae Evidence Modeling of protein sequence and biophysical properties (such as structural, functional, and spatial information, amino acid conservation, physicochemical variation, residue mobility, and thermodynamic stability) indicates that this missense variant is not expected to disrupt PLP1 protein function with a negative predictive value of 80%. In summary, the available evidence is currently insufficient to determine the role of this variant in disease. Therefore, it has been classified as a Variant of Uncertain Significance.

Center for Personalized Medicine, Children's Hospital Los Angeles
Classification: Likely pathogenic. Last evaluated: 2022-12-21. Review status: criteria provided, single submitter. Criteria: ACMG Guidelines, 2015. Collection method: clinical testing. Allele origin: inherited. Affected: yes.

Literature cited by the submitters: PubMed 10417279 (cited by Labcorp Genetics (formerly Invitae), Labcorp); PubMed 26786043 (cited by Labcorp Genetics (formerly Invitae), Labcorp).